The following is an entry in ClinVar:

NM_003280.3(TNNC1):c.175_177del (p.Glu59del)

Gene: TNNC1 (troponin C1, slow skeletal and cardiac type; minus strand). Cytogenetic location: 3p21.1.
Variant type: Deletion.
Coding change: c.175_177del on transcript NM_003280.3 (MANE Select); coding-DNA positions 175 to 177, 3 bases deleted (GAG; older notation c.175_177delGAG).
Protein change: p.Glu59del; deletes glutamic acid 59.
Molecular consequence: inframe indel (on NM_003280.2).
Genome position (GRCh38, 1-based): chr3:52,452,131-52,452,133, CTC deleted on the plus strand (GAG on the coding strand, the reverse complement: TNNC1 is on the minus strand); deleting any 3 consecutive bases within chr3:52,452,131-52,452,135 gives the same sequence; the c. name uses the placement nearest the transcript's 3' end. VCF-style (leftmost placement, unchanged base first): chr3-52452130-TCTC-T. GRCh37 (hg19) VCF-style: chr3-52486146-TCTC-T.
Other names: c.175_177delGAG (NM_003280.2); short protein forms E59del.
Identifiers: ClinVar variation 3971614 (VCV003971614.1).

ClinVar aggregate classification (germline): Uncertain significance (1 of 4 stars; one submission).

Conditions:
Cardiovascular phenotype. Identifiers: MedGen CN230736.

Submission:

Ambry Genetics
Classification: Uncertain significance for Cardiovascular phenotype. Last evaluated: 2025-04-02. Review status: criteria provided, single submitter. Criteria: Ambry Variant Classification Scheme 2023. Collection method: clinical testing. Allele origin: germline.
Comment: The c.175_177delGAG variant (also known as p.E59del) is located in coding exon 3 of the TNNC1 gene. This variant results from an in-frame GAG deletion at nucleotide positions 175 to 177. This results in the in-frame deletion of a glutamic acid at codon 59. This amino acid position is highly conserved in available vertebrate species. In addition, this alteration is predicted to be deleterious by in silico analysis (Choi Y et al. PLoS ONE. 2012; 7(10):e46688).